The following is an entry in ClinVar:

NM_004036.5(ADCY3):c.1947C>T (p.Val649=)

Gene: ADCY3 (adenylate cyclase 3; minus strand). Cytogenetic location: 2p23.3.
Variant type: single nucleotide variant.
Coding change: c.1947C>T on transcript NM_004036.5 (MANE Select); coding-DNA position 1947, C replaced by T.
Protein change: p.Val649=; no amino-acid change (valine 649 retained).
Molecular consequence: synonymous variant.
Genome position (GRCh38, 1-based): chr2:24,834,505, G>A on the plus strand (C>T on the coding strand, the complement: ADCY3 is on the minus strand). VCF-style: chr2-24834505-G-A. GRCh37 (hg19) VCF-style: chr2-25057374-G-A.
Other names: c.1947C>T, p.Val649= (NM_001320613.2, NM_001377129.1, NM_001377130.1 and 1 more transcripts); c.2013C>T, p.Val671= (NM_001377128.1); c.1224C>T, p.Val408= (NM_001377131.1).
Identifiers: ClinVar variation 3353698 (VCV003353698.1).

ClinVar aggregate classification (germline): Likely benign (0 of 4 stars; one submission).

Conditions:
ADCY3-related disorder. Also called: ADCY3-related condition.

gnomAD v4.1: 8 of 1,612,150 alleles (0.0005%); highest among the groups gnomAD compares: South Asian, 0.0033%; no homozygotes.

Submission:

PreventionGenetics, part of Exact Sciences
Classification: Likely benign for ADCY3-related condition. Last evaluated: 2024-01-18. Review status: no assertion criteria provided. Collection method: clinical testing. Allele origin: germline.
Comment: This variant is classified as likely benign based on ACMG/AMP sequence variant interpretation guidelines (Richards et al. 2015 PMID: 25741868, with internal and published modifications).